The following is an entry in ClinVar:

ClinVar aggregate classification (germline): Conflicting classifications of pathogenicity. Review status: criteria provided, conflicting classifications (1 of 4 stars). 4 submissions from 4 submitters: Uncertain significance (1); Benign (1); Likely benign (1). 1 of the submissions does not count toward it. Last evaluated 2026-01-05.

Conditions:
Tobacco use disorder. Identifiers: MedGen C0040336.
Familial sleep-related hypermotor epilepsy. Also called: Autosomal Dominant Sleep-Related Hypermotor (Hyperkinetic) Epilepsy. Identifiers: Orphanet 98784, MedGen C3696898, MONDO:0000030.
Inborn genetic diseases. Identifiers: MedGen C0950123, MeSH D030342.

Allele frequency attached by ClinVar (database versions not stated): 1000 Genomes Project 30x 0.00031; ESP Exome Variant Server 0.00024; 1000 Genomes Project 0.00020; gnomAD 0.00013; TOPMed 0.00021.
gnomAD v4.1: 54 of 1,515,694 alleles (0.0036%); highest among the groups gnomAD compares: African/African-American, 0.061%; no homozygotes.

Submissions (4):

Labcorp Genetics (formerly Invitae), Labcorp
Classification: Benign. Last evaluated: 2026-01-05. Review status: criteria provided, single submitter. Criteria: Invitae Variant Classification Sherloc (09022015). Collection method: clinical testing. Allele origin: germline.

Ambry Genetics
Classification: Likely benign for Inborn genetic diseases. Last evaluated: 2018-07-27. Review status: criteria provided, single submitter. Criteria: Ambry Variant Classification Scheme 2023. Collection method: clinical testing. Allele origin: germline.

GeneDx
Classification: Uncertain significance. Last evaluated: 2016-07-14. Review status: criteria provided, single submitter. Criteria: GeneDx Variant Classification (06012015). Collection method: clinical testing. Allele origin: germline. Affected: yes.
Comment: The P458L variant has not been published as a pathogenic variant, nor has it been reported as a benign variant to our knowledge. It was not observed with any significant frequency in approximately 6,200 individuals of European and African American ancestry in the NHLBI Exome Sequencing Project, nor with any significant frequency in the 1000 Genomes Project. The P458L variant is a semi-conservative amino acid substitution, which may impact secondary protein structure as these residues differ in some properties. However, this substitution occurs at a position that is not conserved, and in silico analysis predicts this variant likely does not alter the protein structure/function. Additionally, this amino acid substitution is not predicted to occur within the transmembrane region of the protein, where the vast majority of pathogenic missense variants have been identified in association with epilepsy (Steinlein et al., 2010). Therefore, based on the currently available information, it is unclear whether this variant is a pathogenic variant or a rare benign variant.

Psychiatry Genetics Yale University
No classification provided. Review status: no classification provided. Collection method: not provided. Allele origin: somatic. Not counted in ClinVar's aggregate classification.

NM_000744.7(CHRNA4):c.1373C>T (p.Pro458Leu)

Gene: CHRNA4 (cholinergic receptor nicotinic alpha 4 subunit; minus strand). Cytogenetic location: 20q13.33.
Variant type: single nucleotide variant.
Coding change: c.1373C>T on transcript NM_000744.7 (MANE Select); coding-DNA position 1373, C replaced by T.
Protein change: p.Pro458Leu; replaces proline 458 with leucine.
Molecular consequence: missense variant. On other transcripts: non-coding transcript variant (1).
Genome position (GRCh38, 1-based): chr20:63,350,038, G>A on the plus strand (C>T on the coding strand, the complement: CHRNA4 is on the minus strand). VCF-style: chr20-63350038-G-A. GRCh37 (hg19) VCF-style: chr20-61981390-G-A.
Other names: p.P458L:CCA>CTA; c.845C>T, p.Pro282Leu (NM_001256573.2); short protein forms P458L, P282L.
Identifiers: ClinVar variation 98315 (VCV000098315.14), dbSNP rs121912277, ClinGen allele CA150410.